The following is an entry in ClinVar:

ClinVar aggregate classification (germline): Pathogenic/Likely pathogenic. Review status: criteria provided, multiple submitters, no conflicts (2 of 4 stars). 2 submissions from 2 submitters: Pathogenic (1); Likely pathogenic (1). Last evaluated 2024-05-28.

Conditions:
Microcephaly 9, primary, autosomal recessive. Identifiers: Orphanet 2512, MedGen C3553886, MONDO:0013923, OMIM 614852.
Seckel syndrome 5 (SCKL5). Identifiers: Orphanet 808, MedGen C3151187, MONDO:0013443, OMIM 613823.

Allele frequency attached by ClinVar (database versions not stated): gnomAD exomes below 0.00001; ExAC 0.00001.
gnomAD v4.1: 2 of 1,614,004 alleles (0.00012%); highest among the groups gnomAD compares: Admixed American, 0.0017%; no homozygotes.

Submissions (2):

Fulgent Genetics
Classification: Likely pathogenic for Seckel syndrome 5; Microcephaly 9, primary, autosomal recessive. Last evaluated: 2024-05-28. Review status: criteria provided, single submitter. Criteria: ACMG Guidelines, 2015. Collection method: clinical testing. Allele origin: germline.

Labcorp Genetics (formerly Invitae), Labcorp
Classification: Pathogenic. Last evaluated: 2023-04-30. Review status: criteria provided, single submitter. Criteria: Invitae Variant Classification Sherloc (09022015). Collection method: clinical testing. Allele origin: germline.
Comment: This variant has not been reported in the literature in individuals affected with CEP152-related conditions. For these reasons, this variant has been classified as Pathogenic. Algorithms developed to predict the effect of sequence changes on RNA splicing suggest that this variant may disrupt the consensus splice site. This variant is present in population databases (rs763537210, gnomAD 0.003%). This sequence change creates a premature translational stop signal (p.Trp176*) in the CEP152 gene. It is expected to result in an absent or disrupted protein product. Loss-of-function variants in CEP152 are known to be pathogenic (PMID: 21131973).

Literature cited by the submitters: PubMed 21131973 (cited by Labcorp Genetics (formerly Invitae), Labcorp).

NM_001194998.2(CEP152):c.527G>A (p.Trp176Ter)

Gene: CEP152 (centrosomal protein 152; minus strand). Cytogenetic location: 15q21.1.
Variant type: single nucleotide variant.
Coding change: c.527G>A on transcript NM_001194998.2 (MANE Select); coding-DNA position 527, G replaced by A.
Protein change: p.Trp176Ter; replaces tryptophan 176 with a stop codon.
Molecular consequence: nonsense.
Genome position (GRCh38, 1-based): chr15:48,797,314, C>T on the plus strand (G>A on the coding strand, the complement: CEP152 is on the minus strand). VCF-style: chr15-48797314-C-T. GRCh37 (hg19) VCF-style: chr15-49089511-C-T.
Other names: c.527G>A, p.Trp176Ter (NM_014985.4); short protein forms W176*.
Identifiers: ClinVar variation 2857443 (VCV002857443.4), dbSNP rs763537210, ClinGen allele CA7549112.